The following is an entry in ClinVar:

ClinVar aggregate classification (germline): Uncertain significance (1 of 4 stars; one submission).

Conditions:
Idiopathic generalized epilepsy. Also called: EIG; Generalised epilepsy. Identifiers: MedGen C0270850, MONDO:0005579, OMIM 600669.

Submission:

Labcorp Genetics (formerly Invitae), Labcorp
Classification: Uncertain significance for Idiopathic generalized epilepsy. Last evaluated: 2024-10-08. Review status: criteria provided, single submitter. Criteria: Invitae Variant Classification Sherloc (09022015). Collection method: clinical testing. Allele origin: germline.
Comment: This sequence change creates a premature translational stop signal (p.Tyr250*) in the RBFOX3 gene. It is expected to result in an absent or disrupted protein product. However, the current clinical and genetic evidence is not sufficient to establish whether loss-of-function variants in RBFOX3 cause disease. This variant is not present in population databases (gnomAD no frequency). This variant has not been reported in the literature in individuals affected with RBFOX3-related conditions. In summary, the available evidence is currently insufficient to determine the role of this variant in disease. Therefore, it has been classified as a Variant of Uncertain Significance.

NM_001350451.2(RBFOX3):c.749dup (p.Tyr250Ter)

Gene: RBFOX3 (RNA binding fox-1 homolog 3; minus strand). Cytogenetic location: 17q25.3.
Variant type: Duplication.
Coding change: c.749dup on transcript NM_001350451.2 (MANE Select); coding-DNA position 749, one base duplicated (A; older notation c.749dupA).
Protein change: p.Tyr250Ter; replaces tyrosine 250 with a stop codon.
Molecular consequence: nonsense.
Genome position (GRCh38, 1-based): chr17:79,097,298, T duplicated on the plus strand (A on the coding strand, the reverse complement: RBFOX3 is on the minus strand). VCF-style (leftmost placement, unchanged base first): chr17-79097297-G-GT. GRCh37 (hg19) VCF-style: chr17-77093379-G-GT.
Other names: c.749dup, p.Tyr250Ter (NM_001082575.3, NM_001350453.2, NM_001385804.1 and 33 more transcripts); c.746dup, p.Tyr249Ter (NM_001385806.1, NM_001385822.1, NM_001385823.1 and 4 more transcripts); c.656dup, p.Tyr219Ter (NM_001385824.1); c.770dup, p.Tyr257Ter (NM_001385827.1); c.602dup, p.Tyr201Ter (NM_001385847.1); short protein forms Y219*, Y250*, Y201*, Y249*, Y257*.
Identifiers: ClinVar variation 2847497 (VCV002847497.3), dbSNP rs2510117736, ClinGen allele CA2739268487.